The following is an entry in ClinVar:

NM_020911.2(PLXNA4):c.1930A>G (p.Met644Val)

Gene: PLXNA4 (plexin A4; minus strand). Cytogenetic location: 7q32.3.
Variant type: single nucleotide variant.
Coding change: c.1930A>G on transcript NM_020911.2 (MANE Select); coding-DNA position 1930, A replaced by G.
Protein change: p.Met644Val; replaces methionine 644 with valine.
Molecular consequence: missense variant.
Genome position (GRCh38, 1-based): chr7:132,226,213, T>C on the plus strand (A>G on the coding strand, the complement: PLXNA4 is on the minus strand). VCF-style: chr7-132226213-T-C. GRCh37 (hg19) VCF-style: chr7-131910972-T-C.
Other names: c.1930A>G, p.Met644Val (NM_001393897.1); short protein forms M644V.
Identifiers: ClinVar variation 3349758 (VCV003349758.1).
Genomic context (GRCh38, chr7:132,226,213, plus strand): 5'-CCACTTACGAATTGTGGACGCTGCAATTGTAGAAGACAAAGCTGGTGCTGGCGAAGGTCA[T>C]GCCGGTCTCCTTTGATTTGAGCTGAAGCTGTACGACATGGTGGTCCCCTACAAGGAGAGA-3'
Protein context (NP_065962.1, residues 634-654): QLQLKSKETG[Met644Val]TFASTSFVFY

ClinVar aggregate classification (germline): Uncertain significance (0 of 4 stars; one submission).

Conditions:
PLXNA4-related disorder. Also called: PLXNA4-related condition.

gnomAD v4.1: 10 of 1,613,972 alleles (0.00062%); highest among the groups gnomAD compares: Non-Finnish European, 0.00076%; no homozygotes.

Submission:

PreventionGenetics, part of Exact Sciences
Classification: Uncertain significance for PLXNA4-related condition. Last evaluated: 2024-01-30. Review status: no assertion criteria provided. Collection method: clinical testing. Allele origin: germline.
Comment: The PLXNA4 c.1930A>G variant is predicted to result in the amino acid substitution p.Met644Val. To our knowledge, this variant has not been reported in the literature. This variant is reported in 0.00088% of alleles in individuals of European (Non-Finnish) descent in gnomAD. At this time, the clinical significance of this variant is uncertain due to the absence of conclusive functional and genetic evidence.